The following is an entry in ClinVar:

ClinVar aggregate classification (germline): Pathogenic (1 of 4 stars; one submission).

Conditions:
Giant axonal neuropathy 1 (GAN1). Also called: GAN-Related Neurodegeneration; GIANT AXONAL NEUROPATHY 1, AUTOSOMAL RECESSIVE. Identifiers: Orphanet 643, MedGen C1850386, MONDO:0009749, OMIM 256850.

Allele frequency attached by ClinVar (database versions not stated): gnomAD exomes 0.00001.
gnomAD v4.1: 14 of 1,583,534 alleles (0.00088%); highest among the groups gnomAD compares: Non-Finnish European, 0.0012%; no homozygotes.

Submission:

Labcorp Genetics (formerly Invitae), Labcorp
Classification: Pathogenic for Giant axonal neuropathy 1. Last evaluated: 2024-03-14. Review status: criteria provided, single submitter. Criteria: Invitae Variant Classification Sherloc (09022015). Collection method: clinical testing. Allele origin: germline.
Comment: This sequence change creates a premature translational stop signal (p.Glu40*) in the GAN gene. It is expected to result in an absent or disrupted protein product. Loss-of-function variants in GAN are known to be pathogenic (PMID: 12655563, 14718689, 23890932). This variant is not present in population databases (gnomAD no frequency). This variant has not been reported in the literature in individuals affected with GAN-related conditions. For these reasons, this variant has been classified as Pathogenic.

Literature cited by the submitters: PubMed 12655563; PubMed 14718689; PubMed 23890932.

NM_022041.4(GAN):c.118G>T (p.Glu40Ter)

Genes: GAN (gigaxonin; plus strand), LOC130059498 (ATAC-STARR-seq lymphoblastoid silent region 7753; plus strand). Cytogenetic location: 16q23.2.
Variant type: single nucleotide variant.
Coding change: c.118G>T on transcript NM_022041.4 (MANE Select); coding-DNA position 118, G replaced by T.
Protein change: p.Glu40Ter; replaces glutamic acid 40 with a stop codon.
Molecular consequence: nonsense. On other transcripts: 5 prime UTR variant (1).
Genome position (GRCh38, 1-based): chr16:81,315,231, G>T. VCF-style: chr16-81315231-G-T. GRCh37 (hg19) VCF-style: chr16-81348836-G-T.
Other names: c.-407G>T (NM_001377486.1); short protein forms E40*.
Identifiers: ClinVar variation 2871112 (VCV002871112.3), dbSNP rs2507669361, ClinGen allele CA396854908.